The following is an entry in ClinVar:

NM_005633.4(SOS1):c.3475C>G (p.Pro1159Ala)

Gene: SOS1 (SOS Ras/Rac guanine nucleotide exchange factor 1; minus strand). Cytogenetic location: 2p22.1.
Variant type: single nucleotide variant.
Coding change: c.3475C>G on transcript NM_005633.4 (MANE Select); coding-DNA position 3475, C replaced by G.
Protein change: p.Pro1159Ala; replaces proline 1159 with alanine.
Molecular consequence: missense variant.
Genome position (GRCh38, 1-based): chr2:38,987,508, G>C on the plus strand (C>G on the coding strand, the complement: SOS1 is on the minus strand). VCF-style: chr2-38987508-G-C. GRCh37 (hg19) VCF-style: chr2-39214649-G-C.
Other names: c.3454C>G, p.Pro1152Ala (NM_001382394.1); c.3430C>G, p.Pro1144Ala (NM_001382395.1); short protein forms P1144A, P1159A, P1152A.
Identifiers: ClinVar variation 3781238 (VCV003781238.1).

ClinVar aggregate classification (germline): Uncertain significance (1 of 4 stars; one submission).

Submission:

GeneDx
Classification: Uncertain significance. Last evaluated: 2024-10-16. Review status: criteria provided, single submitter. Criteria: GeneDx Variant Classification Process June 2021. Collection method: clinical testing. Allele origin: germline. Affected: yes.
Comment: Not observed at significant frequency in large population cohorts (gnomAD); Missense variants in this gene are a common cause of disease and they are underrepresented in the general population; In silico analysis indicates that this missense variant does not alter protein structure/function; Has not been previously published as pathogenic or benign to our knowledge; This variant is associated with the following publications: (PMID: 29493581)